The following is an entry in ClinVar:

ClinVar aggregate classification (germline): Uncertain significance (1 of 4 stars; one submission).

Submission:

Ambry Genetics
Classification: Uncertain significance. Last evaluated: 2021-12-10. Review status: criteria provided, single submitter. Criteria: Ambry Variant Classification Scheme 2023. Collection method: clinical testing. Allele origin: germline.
Comment: The p.S2056Y variant (also known as c.6167C>A), located in coding exon 19 of the POLQ gene, results from a C to A substitution at nucleotide position 6167. The serine at codon 2056 is replaced by tyrosine, an amino acid with dissimilar properties. This amino acid position is conserved. In addition, this alteration is predicted to be tolerated by in silico analysis. Since supporting evidence is limited at this time, the clinical significance of this alteration remains unclear.

NM_199420.4(POLQ):c.6167C>A (p.Ser2056Tyr)

Gene: POLQ (DNA polymerase theta; minus strand). Cytogenetic location: 3q13.33.
Variant type: single nucleotide variant.
Coding change: c.6167C>A on transcript NM_199420.4 (MANE Select); coding-DNA position 6167, C replaced by A.
Protein change: p.Ser2056Tyr; replaces serine 2056 with tyrosine.
Molecular consequence: missense variant.
Genome position (GRCh38, 1-based): chr3:121,481,616, G>T on the plus strand (C>A on the coding strand, the complement: POLQ is on the minus strand). VCF-style: chr3-121481616-G-T. GRCh37 (hg19) VCF-style: chr3-121200463-G-T.
Other names: short protein forms S2056Y.
Identifiers: ClinVar variation 1751976 (VCV001751976.2), dbSNP rs778901078, ClinGen allele CA354087686.